The following is an entry in ClinVar:

NM_006231.4(POLE):c.3022A>C (p.Lys1008Gln)

Gene: POLE (DNA polymerase epsilon, catalytic subunit; minus strand). Cytogenetic location: 12q24.33.
Variant type: single nucleotide variant.
Coding change: c.3022A>C on transcript NM_006231.4 (MANE Select); coding-DNA position 3022, A replaced by C.
Protein change: p.Lys1008Gln; replaces lysine 1008 with glutamine.
Molecular consequence: missense variant.
Genome position (GRCh38, 1-based): chr12:132,661,007, T>G on the plus strand (A>C on the coding strand, the complement: POLE is on the minus strand). VCF-style: chr12-132661007-T-G. GRCh37 (hg19) VCF-style: chr12-133237593-T-G.
Other names: short protein forms K1008Q.
Identifiers: ClinVar variation 3935762 (VCV003935762.1).

ClinVar aggregate classification (germline): Uncertain significance (1 of 4 stars; one submission).

Conditions:
Hereditary cancer-predisposing syndrome. Also called: Tumor predisposition; Hereditary neoplastic syndrome; Hereditary Cancer Syndrome; Neoplastic Syndromes, Hereditary. Identifiers: Orphanet 140162, MedGen C0027672, MeSH D009386, MONDO:0015356.

Submission:

Ambry Genetics
Classification: Uncertain significance for Hereditary cancer-predisposing syndrome. Last evaluated: 2025-05-11. Review status: criteria provided, single submitter. Criteria: Ambry Variant Classification Scheme 2023. Collection method: clinical testing. Allele origin: germline.
Comment: The p.K1008Q variant (also known as c.3022A>C), located in coding exon 25 of the POLE gene, results from an A to C substitution at nucleotide position 3022. The lysine at codon 1008 is replaced by glutamine, an amino acid with similar properties. This amino acid position is conserved. In addition, this alteration is predicted to be tolerated by in silico analysis. Based on the available evidence, the clinical significance of this variant remains unclear.